The following is an entry in ClinVar:

NM_015047.3(EMC1):c.2067T>A (p.Asp689Glu)

Genes: EMC1 (ER membrane protein complex subunit 1; minus strand), EMC1-AS1 (EMC1 antisense RNA 1; plus strand). Cytogenetic location: 1p36.13.
Variant type: single nucleotide variant.
Coding change: c.2067T>A on transcript NM_015047.3 (MANE Select); coding-DNA position 2067, T replaced by A.
Protein change: p.Asp689Glu; replaces aspartic acid 689 with glutamic acid.
Molecular consequence: missense variant.
Genome position (GRCh38, 1-based): chr1:19,227,448, A>T on the plus strand (T>A on the coding strand, the complement: EMC1 is on the minus strand). VCF-style: chr1-19227448-A-T. GRCh37 (hg19) VCF-style: chr1-19553942-A-T.
Other names: c.2064T>A, p.Asp688Glu (NM_001271427.2, NM_001271428.2); c.2001T>A, p.Asp667Glu (NM_001271429.2); c.2076T>A, p.Asp692Glu (NM_001375820.1); c.2073T>A, p.Asp691Glu (NM_001375821.1); short protein forms D667E, D688E, D689E, D691E, D692E.
Identifiers: ClinVar variation 1011895 (VCV001011895.10), dbSNP rs1215427102, ClinGen allele CA338757271.

ClinVar aggregate classification (germline): Uncertain significance (1 of 4 stars; one submission).

Allele frequency attached by ClinVar (database versions not stated): gnomAD exomes below 0.00001 and 0.00001.
gnomAD v4.1: 23 of 1,614,182 alleles (0.0014%); highest among the groups gnomAD compares: Non-Finnish European, 0.0017%; no homozygotes.

Submission:

Labcorp Genetics (formerly Invitae), Labcorp
Classification: Uncertain significance. Last evaluated: 2025-03-17. Review status: criteria provided, single submitter. Criteria: Invitae Variant Classification Sherloc (09022015). Collection method: clinical testing. Allele origin: germline.
Comment: This sequence change replaces aspartic acid, which is acidic and polar, with glutamic acid, which is acidic and polar, at codon 689 of the EMC1 protein (p.Asp689Glu). This variant is present in population databases (no rsID available, gnomAD 0.0009%). This variant has not been reported in the literature in individuals affected with EMC1-related conditions. ClinVar contains an entry for this variant (Variation ID: 1011895). An algorithm developed to predict the effect of missense changes on protein structure and function (PolyPhen-2) suggests that this variant is likely to be tolerated. In summary, the available evidence is currently insufficient to determine the role of this variant in disease. Therefore, it has been classified as a Variant of Uncertain Significance.